The following is an entry in ClinVar:

NM_017986.4(SLC52A1):c.772A>G (p.Ser258Gly)

Gene: SLC52A1 (solute carrier family 52 member 1; minus strand). Cytogenetic location: 17p13.2.
Variant type: single nucleotide variant.
Coding change: c.772A>G on transcript NM_017986.4 (MANE Select); coding-DNA position 772, A replaced by G.
Protein change: p.Ser258Gly; replaces serine 258 with glycine.
Molecular consequence: missense variant.
Genome position (GRCh38, 1-based): chr17:5,033,717, T>C on the plus strand (A>G on the coding strand, the complement: SLC52A1 is on the minus strand). VCF-style: chr17-5033717-T-C. GRCh37 (hg19) VCF-style: chr17-4937012-T-C.
Other names: c.772A>G, p.Ser258Gly (NM_001104577.2); short protein forms S258G.
Identifiers: ClinVar variation 4738192 (VCV004738192.1).

ClinVar aggregate classification (germline): Uncertain significance (1 of 4 stars; one submission).

Conditions:
Vitamin B2 deficiency. Identifiers: MedGen C0035528.

gnomAD v4.1: 1 of 1,614,084 alleles (0.000062%); highest among the groups gnomAD compares: South Asian, 0.0011%; no homozygotes.

Submission:

Labcorp Genetics (formerly Invitae), Labcorp
Classification: Uncertain significance for Vitamin B2 deficiency. Last evaluated: 2026-01-20. Review status: criteria provided, single submitter. Criteria: Invitae Variant Classification Sherloc (09022015). Collection method: clinical testing. Allele origin: germline.
Comment: This sequence change replaces serine, which is neutral and polar, with glycine, which is neutral and non-polar, at codon 258 of the SLC52A1 protein (p.Ser258Gly). This variant is not present in population databases (gnomAD no frequency). This variant has not been reported in the literature in individuals affected with SLC52A1-related conditions. Invitae Evidence Modeling of protein sequence and biophysical properties (such as structural, functional, and spatial information, amino acid conservation, physicochemical variation, residue mobility, and thermodynamic stability) indicates that this missense variant is not expected to disrupt SLC52A1 protein function with a negative predictive value of 80%. In summary, the available evidence is currently insufficient to determine the role of this variant in disease. Therefore, it has been classified as a Variant of Uncertain Significance.